The following is an entry in ClinVar:

NM_182914.3(SYNE2):c.2781+4A>G

Gene: SYNE2 (spectrin repeat containing nuclear envelope protein 2; plus strand). Cytogenetic location: 14q23.2.
Variant type: single nucleotide variant.
Coding change: c.2781+4A>G on transcript NM_182914.3 (MANE Select); 4 bases into the intron after coding-DNA position 2781, A replaced by G.
Molecular consequence: intron variant.
Genome position (GRCh38, 1-based): chr14:63,993,973, A>G. VCF-style: chr14-63993973-A-G. GRCh37 (hg19) VCF-style: chr14-64460691-A-G.
Other names: c.2781+4A>G (NM_015180.6).
Identifiers: ClinVar variation 846713 (VCV000846713.7), dbSNP rs1941605291, ClinGen allele CA916083375.

ClinVar aggregate classification (germline): Uncertain significance (1 of 4 stars; one submission).

Conditions:
Emery-Dreifuss muscular dystrophy 5, autosomal dominant (EDMD5). Also called: EMERY-DREIFUSS MUSCULAR DYSTROPHY 5. Identifiers: Orphanet 261, MedGen C2751805, MONDO:0013072, OMIM 612999.

Allele frequency attached by ClinVar (database versions not stated): gnomAD exomes below 0.00001; gnomAD 0.00001; TOPMed 0.00001.
gnomAD v4.1: 2 of 1,613,638 alleles (0.00012%); highest among the groups gnomAD compares: Non-Finnish European, 0.00017%; no homozygotes.

Submission:

Labcorp Genetics (formerly Invitae), Labcorp
Classification: Uncertain significance for Emery-Dreifuss muscular dystrophy 5, autosomal dominant. Last evaluated: 2025-04-19. Review status: criteria provided, single submitter. Criteria: Invitae Variant Classification Sherloc (09022015). Collection method: clinical testing. Allele origin: germline.
Comment: This sequence change falls in intron 22 of the SYNE2 gene. It does not directly change the encoded amino acid sequence of the SYNE2 protein. It affects a nucleotide within the consensus splice site. This variant is not present in population databases (gnomAD no frequency). This variant has not been reported in the literature in individuals affected with SYNE2-related conditions. ClinVar contains an entry for this variant (Variation ID: 846713). Variants that disrupt the consensus splice site are a relatively common cause of aberrant splicing (PMID: 17576681, 9536098). Algorithms developed to predict the effect of sequence changes on RNA splicing suggest that this variant is not likely to affect RNA splicing. In summary, the available evidence is currently insufficient to determine the role of this variant in disease. Therefore, it has been classified as a Variant of Uncertain Significance.

Literature cited by the submitters: PubMed 17576681; PubMed 9536098.